The following is an entry in ClinVar:

ClinVar aggregate classification (germline): Uncertain significance (1 of 4 stars; one submission).

Submission:

Labcorp Genetics (formerly Invitae), Labcorp
Classification: Uncertain significance. Last evaluated: 2024-11-02. Review status: criteria provided, single submitter. Criteria: Invitae Variant Classification Sherloc (09022015). Collection method: clinical testing. Allele origin: germline.
Comment: This sequence change replaces valine, which is neutral and non-polar, with glycine, which is neutral and non-polar, at codon 273 of the SEMA4A protein (p.Val273Gly). This variant is present in population databases (rs545138289, gnomAD 0.0009%). This variant has not been reported in the literature in individuals affected with SEMA4A-related conditions. Invitae Evidence Modeling of protein sequence and biophysical properties (such as structural, functional, and spatial information, amino acid conservation, physicochemical variation, residue mobility, and thermodynamic stability) has been performed for this missense variant. However, the output from this modeling did not meet the statistical confidence thresholds required to predict the impact of this variant on SEMA4A protein function. In summary, the available evidence is currently insufficient to determine the role of this variant in disease. Therefore, it has been classified as a Variant of Uncertain Significance.

NM_022367.4(SEMA4A):c.818T>G (p.Val273Gly)

Gene: SEMA4A (semaphorin 4A; plus strand). Cytogenetic location: 1q22.
Variant type: single nucleotide variant.
Coding change: c.818T>G on transcript NM_022367.4 (MANE Select); coding-DNA position 818, T replaced by G.
Protein change: p.Val273Gly; replaces valine 273 with glycine.
Molecular consequence: missense variant.
Genome position (GRCh38, 1-based): chr1:156,161,353, T>G. VCF-style: chr1-156161353-T-G. GRCh37 (hg19) VCF-style: chr1-156131144-T-G.
Other names: c.311T>G, p.Val104Gly (NM_001370569.1, NM_001370571.1); c.818T>G, p.Val273Gly (NM_001193300.2, NM_001193301.2, NM_001370567.1); c.422T>G, p.Val141Gly (NM_001193302.2); c.521T>G, p.Val174Gly (NM_001370568.1); short protein forms V104G, V141G, V174G, V273G.
Identifiers: ClinVar variation 3706715 (VCV003706715.2).
Genomic context (GRCh38, chr1:156,161,353, plus strand): 5'-GGCTGGGGGGTCGGGGCGCCCGGGGCGCCCCCTGACTCCCCCTGTGCCCCCAGAATGACG[T>G]GGGCGGCGAAAAGCTGCTGCAGAAGAAGTGGACCACCTTCCTGAAGGCCCAGCTGCTCTG-3'
Protein context (NP_071762.2, residues 263-283): SRVARVCKND[Val273Gly]GGEKLLQKKW